The following is an entry in ClinVar:

ClinVar aggregate classification (germline): Uncertain significance (0 of 4 stars; one submission).

Conditions:
Prostate cancer. Also called: Malignant tumor of prostate. Identifiers: Orphanet 1331, MedGen C0376358, MONDO:0008315, HP:0012125.

Submission:

Science for Life laboratory,  Karolinska Institutet
Classification: Uncertain significance for Malignant tumor of prostate. Review status: no assertion criteria provided. Collection method: not provided. Allele origin: somatic.
Comment: TumorID:SWE-19
ClinVar note: Converted during submission from Unknown to Uncertain significance.

NM_013340.4(PCDHB1):c.1655T>C (p.Val552Ala)

Genes: PCDHB1 (protocadherin beta 1; plus strand), PCDHB1-AS1 (PCDHB1 antisense RNA 1; minus strand), PCDHB@ (protocadherin beta cluster; plus strand). Cytogenetic location: 5q31.3.
Variant type: single nucleotide variant.
Coding change: c.1655T>C on transcript NM_013340.4 (MANE Select); coding-DNA position 1655, T replaced by C.
Protein change: p.Val552Ala; replaces valine 552 with alanine.
Molecular consequence: missense variant.
Genome position (GRCh38, 1-based): chr5:141,053,125, T>C. VCF-style: chr5-141053125-T-C. GRCh37 (hg19) VCF-style: chr5-140432710-T-C.
Other names: short protein forms V552A.
Identifiers: ClinVar variation 161667 (VCV000161667.2), dbSNP rs193920928, ClinGen allele CA174563.